The following is an entry in ClinVar:

ClinVar aggregate classification (germline): Conflicting classifications of pathogenicity. Review status: criteria provided, conflicting classifications (1 of 4 stars). 3 submissions from 3 submitters: Uncertain significance (2); Likely benign (1). Last evaluated 2025-12-03.

Conditions:
Immunodeficiency, developmental delay, and hypohomocysteinemia. Identifiers: MedGen C4540293, MONDO:0060591, OMIM 617744.

Allele frequency attached by ClinVar (database versions not stated): TOPMed 0.00003; ExAC 0.00004; gnomAD 0.00005; gnomAD exomes 0.00017; 1000 Genomes Project 0.00020; 1000 Genomes Project 30x 0.00031.
gnomAD v4.1: 253 of 1,614,212 alleles (0.016%); highest among the groups gnomAD compares: Non-Finnish European, 0.021%; no homozygotes.

Submissions (3):

Labcorp Genetics (formerly Invitae), Labcorp
Classification: Uncertain significance. Last evaluated: 2025-12-03. Review status: criteria provided, single submitter. Criteria: Invitae Variant Classification Sherloc (09022015). Collection method: clinical testing. Allele origin: germline.
Comment: This sequence change replaces aspartic acid, which is acidic and polar, with valine, which is neutral and non-polar, at codon 341 of the NFE2L2 protein (p.Asp341Val). This variant is present in population databases (rs199673454, gnomAD 0.01%). This variant has not been reported in the literature in individuals affected with NFE2L2-related conditions. ClinVar contains an entry for this variant (Variation ID: 2139084). Invitae Evidence Modeling of protein sequence and biophysical properties (such as structural, functional, and spatial information, amino acid conservation, physicochemical variation, residue mobility, and thermodynamic stability) indicates that this missense variant is expected to disrupt NFE2L2 protein function with a positive predictive value of 80%. In summary, the available evidence is currently insufficient to determine the role of this variant in disease. Therefore, it has been classified as a Variant of Uncertain Significance.

CeGaT Center for Human Genetics Tuebingen
Classification: Uncertain significance. Last evaluated: 2025-02-01. Review status: criteria provided, single submitter. Criteria: CeGaT Center For Human Genetics Tuebingen Variant Classification Criteria Version 2. Collection method: clinical testing. Allele origin: germline. Affected: yes. Observed: 1 variant allele.

Department of Pathology and Laboratory Medicine, Sinai Health System
Classification: Likely benign for Immunodeficiency, developmental delay, and hypohomocysteinemia. Last evaluated: 2020-04-30. Review status: criteria provided, single submitter. Criteria: ACMG Guidelines, 2015. Collection method: research. Allele origin: germline.

NM_006164.5(NFE2L2):c.1022A>T (p.Asp341Val)

Gene: NFE2L2 (NFE2 like bZIP transcription factor 2; minus strand). Cytogenetic location: 2q31.2.
Variant type: single nucleotide variant.
Coding change: c.1022A>T on transcript NM_006164.5 (MANE Select); coding-DNA position 1022, A replaced by T.
Protein change: p.Asp341Val; replaces aspartic acid 341 with valine.
Molecular consequence: missense variant.
Genome position (GRCh38, 1-based): chr2:177,231,581, T>A on the plus strand (A>T on the coding strand, the complement: NFE2L2 is on the minus strand). VCF-style: chr2-177231581-T-A. GRCh37 (hg19) VCF-style: chr2-178096309-T-A.
Other names: c.974A>T, p.Asp325Val (NM_001145412.3, NM_001313900.1, NM_001313901.1); c.953A>T, p.Asp318Val (NM_001145413.3); c.932A>T, p.Asp311Val (NM_001313902.2); c.803A>T, p.Asp268Val (NM_001313903.2); c.722A>T, p.Asp241Val (NM_001313904.1); short protein forms D268V, D325V, D341V, D311V, D241V, D318V.
Identifiers: ClinVar variation 2139084 (VCV002139084.18), dbSNP rs199673454, ClinGen allele CA1979757.